The following is an entry in ClinVar:

ClinVar aggregate classification (germline): Uncertain significance (1 of 4 stars; one submission).

Conditions:
Primary familial hypertrophic cardiomyopathy (HCM). Identifiers: Orphanet 99739, MedGen C0949658, MeSH D024741, MONDO:0024573. Inheritance: Various modes of inheritance.

Submission:

Labcorp Genetics (formerly Invitae), Labcorp
Classification: Uncertain significance for Primary familial hypertrophic cardiomyopathy. Last evaluated: 2025-10-09. Review status: criteria provided, single submitter. Criteria: Invitae Variant Classification Sherloc (09022015). Collection method: clinical testing. Allele origin: germline.
Comment: This sequence change replaces proline, which is neutral and non-polar, with serine, which is neutral and polar, at codon 316 of the ILK protein (p.Pro316Ser). This variant is present in population databases (no rsID available, gnomAD 0.006%). This variant has not been reported in the literature in individuals affected with ILK-related conditions. An algorithm developed to predict the effect of missense changes on protein structure and function (PolyPhen-2) suggests that this variant is likely to be tolerated. In summary, the available evidence is currently insufficient to determine the role of this variant in disease. Therefore, it has been classified as a Variant of Uncertain Significance.

NM_004517.4(ILK):c.946C>T (p.Pro316Ser)

Genes: ILK (integrin linked kinase; plus strand), TAF10 (TATA-box binding protein associated factor 10; minus strand). Cytogenetic location: 11p15.4.
Variant type: single nucleotide variant.
Coding change: c.946C>T on transcript NM_004517.4 (MANE Select); coding-DNA position 946, C replaced by T.
Protein change: p.Pro316Ser; replaces proline 316 with serine.
Molecular consequence: missense variant. On other transcripts: 3 prime UTR variant (1).
Genome position (GRCh38, 1-based): chr11:6,609,813, C>T. VCF-style: chr11-6609813-C-T. GRCh37 (hg19) VCF-style: chr11-6631044-C-T.
Other names: c.946C>T, p.Pro316Ser (NM_001014794.3, NM_001014795.3); c.763C>T, p.Pro255Ser (NM_001278441.2); c.544C>T, p.Pro182Ser (NM_001278442.2); c.*1109G>A (NM_006284.4); short protein forms P316S, P255S, P182S.
Identifiers: ClinVar variation 4728833 (VCV004728833.1).
Genomic context (GRCh38, chr11:6,609,813, plus strand): 5'-AAGTTTGCTTTGGACATGGCAAGGGGCATGGCCTTCCTACACACACTAGAGCCCCTCATC[C>T]CACGACATGCACTCAATAGCCGTAGTGTAATGGTGAGGCCACAAGCTCACTCCTGGCCCA-3'
Protein context (NP_004508.1, residues 306-326): AFLHTLEPLI[Pro316Ser]RHALNSRSVM